The following is an entry in ClinVar:

ClinVar aggregate classification (germline): Pathogenic/Likely pathogenic. Review status: criteria provided, multiple submitters, no conflicts (2 of 4 stars). 4 submissions from 4 submitters: Pathogenic (1); Likely pathogenic (3). Last evaluated 2025-08-29.

Conditions:
Bethlem myopathy 2 (BTHLM2). Identifiers: Orphanet 536516, Orphanet 610, MedGen C4225313, MONDO:0034022, OMIM 616471.
Ullrich congenital muscular dystrophy 2 (UCMD2). Identifiers: Orphanet 75840, MedGen C4225314, MONDO:0014654, OMIM 616470.

gnomAD v4.1: 3 of 1,611,054 alleles (0.00019%); highest among the groups gnomAD compares: Non-Finnish European, 0.00025%; no homozygotes.

Submissions (4):

Labcorp Genetics (formerly Invitae), Labcorp
Classification: Pathogenic for Bethlem myopathy 2; Ullrich congenital muscular dystrophy 2. Last evaluated: 2025-08-29. Review status: criteria provided, single submitter. Criteria: Invitae Variant Classification Sherloc (09022015). Collection method: clinical testing. Allele origin: germline.
Comment: This sequence change creates a premature translational stop signal (p.Arg3035*) in the COL12A1 gene. It is expected to result in an absent or disrupted protein product. Loss-of-function variants in COL12A1 are known to be pathogenic (PMID: 24334604, 28973083). This variant is not present in population databases (gnomAD no frequency). This variant has not been reported in the literature in individuals affected with COL12A1-related conditions. ClinVar contains an entry for this variant (Variation ID: 3377131). For these reasons, this variant has been classified as Pathogenic.

Victorian Clinical Genetics Services, Murdoch Childrens Research Institute
Classification: Likely pathogenic for Ullrich congenital muscular dystrophy 2. Last evaluated: 2024-10-08. Review status: criteria provided, single submitter. Criteria: ACMG Guidelines, 2015. Collection method: clinical testing. Allele origin: germline. Inheritance: Autosomal recessive inheritance. Affected: yes.
Comment: Based on the classification scheme VCGS_Germline_v1.3.4, this variant is classified as Likely Pathogenic. Following criteria are met: 0104 - Dominant negative is a known mechanism of disease in this gene for glycine substitutions and is associated with myopathic Ehlers-Danlos syndrome (EDS) (PMID: 24334769). Loss of function (LoF) is suspected to be the mechanism of disease for autosomal recessive Ullrich congenital muscular dystrophy 2 (MIM#616470). Many other PTC variants have been classified as pathogenic or likely pathogenic by clinical laboratories in ClinVar but currently evidence for LoF variants causing dominant disease is limited (PMID: 31273343). (I) 0107 - This gene is associated with autosomal dominant disease. However, there are limited reports of autosomal recessive disease in the literature (PMID: 28973083, 24334604). (I) 0201 - Variant is predicted to cause nonsense-mediated decay (NMD) and loss of protein (premature termination codon is located at least 54 nucleotides upstream of the final exon-exon junction). (SP) 0251 - This variant is heterozygous. (I) 0301 - Variant is absent from gnomAD (both v2 and v3). (SP) 0703 - Other NMD-predicted variants comparable to the one identified in this case have moderate previous evidence for pathogenicity. An NMD-predicted stop gain variant was observed compound heterozygous with a splice variant in one individual, and a canonical splice variant with functional studies demonstrating exon 50 skipping causing an NMD-predicted frameshift has been observed as homozygous in two siblings with an Ullrich-like myopathy (PMID: 28973083, 24334604). (SP) 0809 - Previous evidence of pathogenicity for this variant is inconclusive. This variant has been observed in an individual with sporadic autosomal dominant aortic dissection (PMID: 27975164). (I) 0905 - No published segregation evidence has been identified for this variant. (I) 1007 - No published functional evidence has been identified for this variant. (SP) Legend: (SP) - Supporting pathogenic, (I) - Information, (SB) - Supporting benign

Mayo Clinic Laboratories, Mayo Clinic
Classification: Likely pathogenic. Last evaluated: 2024-04-09. Review status: criteria provided, single submitter. Criteria: ACMG Guidelines, 2015. Collection method: clinical testing. Allele origin: germline. Observed: 1 variant allele.
Comment: PM2, PVS1

3billion
Classification: Likely pathogenic for Bethlem myopathy 2. Last evaluated: 2023-12-18. Review status: criteria provided, single submitter. Criteria: ACMG Guidelines, 2015. Collection method: clinical testing. Allele origin: germline. Affected: yes.
Comment: The variant is not observed in the gnomAD v2.1.1 dataset. Predicted Consequence/Location: Stop-gained (nonsense): predicted to result in a loss or disruption of normal protein function through nonsense-mediated decay (NMD) or protein truncation. Multiple pathogenic variants are reported downstream of the variant. Therefore, this variant is classified as Likely pathogenic according to the recommendation of ACMG/AMP guideline.

Literature cited by the submitters: PubMed 24334604 (cited by Labcorp Genetics (formerly Invitae), Labcorp and Victorian Clinical Genetics Services, Murdoch Childrens Research Institute); PubMed 28973083 (cited by Labcorp Genetics (formerly Invitae), Labcorp and Victorian Clinical Genetics Services, Murdoch Childrens Research Institute); PubMed 24334769 (cited by Victorian Clinical Genetics Services, Murdoch Childrens Research Institute); PubMed 27975164 (cited by Victorian Clinical Genetics Services, Murdoch Childrens Research Institute); PubMed 31273343 (cited by Victorian Clinical Genetics Services, Murdoch Childrens Research Institute and Mayo Clinic Laboratories, Mayo Clinic); PubMed 36936682 (cited by Mayo Clinic Laboratories, Mayo Clinic); PubMed 7642694 (cited by Mayo Clinic Laboratories, Mayo Clinic).

NM_004370.6(COL12A1):c.9103C>T (p.Arg3035Ter)

Gene: COL12A1 (collagen type XII alpha 1 chain; minus strand). Cytogenetic location: 6q13.
Variant type: single nucleotide variant.
Coding change: c.9103C>T on transcript NM_004370.6 (MANE Select); coding-DNA position 9103, C replaced by T.
Protein change: p.Arg3035Ter; replaces arginine 3035 with a stop codon.
Molecular consequence: nonsense.
Genome position (GRCh38, 1-based): chr6:75,087,655, G>A on the plus strand (C>T on the coding strand, the complement: COL12A1 is on the minus strand). VCF-style: chr6-75087655-G-A. GRCh37 (hg19) VCF-style: chr6-75797371-G-A.
Other names: p.Arg3035*; c.9103C>T, p.Arg3035Ter (NM_001424113.1); c.9082C>T, p.Arg3028Ter (NM_001424114.1); c.8830C>T, p.Arg2944Ter (NM_001424115.1); c.5611C>T, p.Arg1871Ter (NM_001424116.1, NM_080645.3); short protein forms R1871*, R2944*, R3028*, R3035*.
Identifiers: ClinVar variation 3377131 (VCV003377131.4).